The following is an entry in ClinVar:

NM_182925.5(FLT4):c.3823A>G (p.Ser1275Gly)

Gene: FLT4 (fms related receptor tyrosine kinase 4; minus strand). Cytogenetic location: 5q35.3.
Variant type: single nucleotide variant.
Coding change: c.3823A>G on transcript NM_182925.5 (MANE Select); coding-DNA position 3823, A replaced by G.
Protein change: p.Ser1275Gly; replaces serine 1275 with glycine.
Molecular consequence: missense variant.
Genome position (GRCh38, 1-based): chr5:180,609,038, T>C on the plus strand (A>G on the coding strand, the complement: FLT4 is on the minus strand). VCF-style: chr5-180609038-T-C. GRCh37 (hg19) VCF-style: chr5-180036038-T-C.
Other names: c.3823A>G, p.Ser1275Gly (NM_001354989.2, NM_002020.5); short protein forms S1275G.
Identifiers: ClinVar variation 3340909 (VCV003340909.2).

ClinVar aggregate classification (germline): Likely pathogenic (1 of 4 stars; one submission).

gnomAD v4.1: 4 of 1,614,182 alleles (0.00025%); highest among the groups gnomAD compares: South Asian, 0.0011%; no homozygotes.

Submission:

GeneDx
Classification: Likely pathogenic. Last evaluated: 2026-08-11. Review status: criteria provided, single submitter. Criteria: GeneDx Variant Classification Process June 2021. Collection method: clinical testing. Allele origin: germline.
Comment: Observed in siblings with hydrops fetalis; both siblings also have a variant in the EPHB4 gene (PMID: 40789765); Not observed at significant frequency in large population cohorts (gnomAD); While located outside of the protein kinase domain, variation at this residue (S1275T, S1275R) has been described in two additional fetuses with cystic hygroma and pleural effusions; both variants were inherited from parents with no evidence of lymphedema (PMID: 36538874); In silico analysis supports that this missense variant has a deleterious effect on protein structure/function; This variant is associated with the following publications: (PMID: 31974414, 40789765, 36538874)